The following is an entry in ClinVar:

ClinVar aggregate classification (germline): Uncertain significance (1 of 4 stars; one submission).

Conditions:
Epileptic encephalopathy. Identifiers: MedGen C0543888, HP:0200134.

Allele frequency attached by ClinVar (database versions not stated): gnomAD 0.00005; TOPMed 0.00009; ExAC 0.00003; gnomAD exomes 0.00001.
gnomAD v4.1: 33 of 1,609,962 alleles (0.002%); highest among the groups gnomAD compares: Admixed American, 0.005%; no homozygotes.

Submission:

Labcorp Genetics (formerly Invitae), Labcorp
Classification: Uncertain significance for Epileptic encephalopathy. Last evaluated: 2025-12-25. Review status: criteria provided, single submitter. Criteria: Invitae Variant Classification Sherloc (09022015). Collection method: clinical testing. Allele origin: germline.
Comment: This sequence change replaces arginine, which is basic and polar, with tryptophan, which is neutral and slightly polar, at codon 1931 of the FASN protein (p.Arg1931Trp). This variant is present in population databases (rs778266290, gnomAD 0.007%). This variant has not been reported in the literature in individuals affected with FASN-related conditions. ClinVar contains an entry for this variant (Variation ID: 658321). An algorithm developed to predict the effect of missense changes on protein structure and function (PolyPhen-2) suggests that this variant is likely to be disruptive. In summary, the available evidence is currently insufficient to determine the role of this variant in disease. Therefore, it has been classified as a Variant of Uncertain Significance.

NM_004104.5(FASN):c.5791C>T (p.Arg1931Trp)

Gene: FASN (fatty acid synthase; minus strand). Cytogenetic location: 17q25.3.
Variant type: single nucleotide variant.
Coding change: c.5791C>T on transcript NM_004104.5 (MANE Select); coding-DNA position 5791, C replaced by T.
Protein change: p.Arg1931Trp; replaces arginine 1931 with tryptophan.
Molecular consequence: missense variant.
Genome position (GRCh38, 1-based): chr17:82,082,655, G>A on the plus strand (C>T on the coding strand, the complement: FASN is on the minus strand). VCF-style: chr17-82082655-G-A. GRCh37 (hg19) VCF-style: chr17-80040531-G-A.
Other names: short protein forms R1931W.
Identifiers: ClinVar variation 658321 (VCV000658321.8), dbSNP rs778266290, ClinGen allele CA8851543.